The following is an entry in ClinVar:

NM_002637.4(PHKA1):c.865-3C>G

Gene: PHKA1 (phosphorylase kinase regulatory subunit alpha 1; minus strand). Cytogenetic location: Xq13.1.
Variant type: single nucleotide variant.
Coding change: c.865-3C>G on transcript NM_002637.4 (MANE Select); 3 bases into the intron before coding-DNA position 865, C replaced by G.
Molecular consequence: intron variant.
Genome position (GRCh38, 1-based): chrX:72,657,644, G>C on the plus strand (C>G on the coding strand, the complement: PHKA1 is on the minus strand). VCF-style: chrX-72657644-G-C. GRCh37 (hg19) VCF-style: chrX-71877494-G-C.
Other names: c.865-3C>G (NM_001172436.2, NM_001122670.2, NM_001431068.1).
Identifiers: ClinVar variation 3619609 (VCV003619609.2).

ClinVar aggregate classification (germline): Uncertain significance (1 of 4 stars; one submission).

Conditions:
Glycogen storage disease IXd (GSD9D). Also called: GSD IXd; Muscle Phosphorylase Kinase Deficiency. Identifiers: Orphanet 715, MedGen C1845151, MONDO:0010362, OMIM 300559.

gnomAD v4.1: 2 of 1,203,991 alleles (0.00017%); highest among the groups gnomAD compares: Admixed American, 0.0044%; no homozygotes.

Submission:

Labcorp Genetics (formerly Invitae), Labcorp
Classification: Uncertain significance for Glycogen storage disease IXd. Last evaluated: 2024-10-30. Review status: criteria provided, single submitter. Criteria: Invitae Variant Classification Sherloc (09022015). Collection method: clinical testing. Allele origin: germline.
Comment: This sequence change falls in intron 8 of the PHKA1 gene. It does not directly change the encoded amino acid sequence of the PHKA1 protein. It affects a nucleotide within the consensus splice site. This variant is present in population databases (rs781831011, gnomAD 0.01%). This variant has not been reported in the literature in individuals affected with PHKA1-related conditions. Variants that disrupt the consensus splice site are a relatively common cause of aberrant splicing (PMID: 17576681, 9536098). Algorithms developed to predict the effect of sequence changes on RNA splicing suggest that this variant may disrupt the consensus splice site. In summary, the available evidence is currently insufficient to determine the role of this variant in disease. Therefore, it has been classified as a Variant of Uncertain Significance.

Literature cited by the submitters: PubMed 17576681; PubMed 9536098.